The following is an entry in ClinVar:

NM_018136.5(ASPM):c.3227C>A (p.Thr1076Lys)

Gene: ASPM (assembly factor for spindle microtubules; minus strand). Cytogenetic location: 1q31.3.
Variant type: single nucleotide variant.
Coding change: c.3227C>A on transcript NM_018136.5 (MANE Select); coding-DNA position 3227, C replaced by A.
Protein change: p.Thr1076Lys; replaces threonine 1076 with lysine.
Molecular consequence: missense variant.
Genome position (GRCh38, 1-based): chr1:197,124,273, G>T on the plus strand (C>A on the coding strand, the complement: ASPM is on the minus strand). VCF-style: chr1-197124273-G-T. GRCh37 (hg19) VCF-style: chr1-197093403-G-T.
Other names: c.3227C>A, p.Thr1076Lys (NM_001206846.2); short protein forms T1076K.
Identifiers: ClinVar variation 2193108 (VCV002193108.4), dbSNP rs765821387, ClinGen allele CA1310221.

ClinVar aggregate classification (germline): Uncertain significance (1 of 4 stars; one submission).

Allele frequency attached by ClinVar (database versions not stated): gnomAD 0.00001; TOPMed 0.00001.
gnomAD v4.1: 12 of 1,605,580 alleles (0.00075%); highest among the groups gnomAD compares: African/African-American, 0.0013%; no homozygotes.

Submission:

Labcorp Genetics (formerly Invitae), Labcorp
Classification: Uncertain significance. Last evaluated: 2025-09-15. Review status: criteria provided, single submitter. Criteria: Invitae Variant Classification Sherloc (09022015). Collection method: clinical testing. Allele origin: germline.
Comment: This sequence change replaces threonine, which is neutral and polar, with lysine, which is basic and polar, at codon 1076 of the ASPM protein (p.Thr1076Lys). This variant is present in population databases (rs765821387, gnomAD 0.0009%). This variant has not been reported in the literature in individuals affected with ASPM-related conditions. ClinVar contains an entry for this variant (Variation ID: 2193108). Invitae Evidence Modeling of protein sequence and biophysical properties (such as structural, functional, and spatial information, amino acid conservation, physicochemical variation, residue mobility, and thermodynamic stability) indicates that this missense variant is not expected to disrupt ASPM protein function with a negative predictive value of 80%. In summary, the available evidence is currently insufficient to determine the role of this variant in disease. Therefore, it has been classified as a Variant of Uncertain Significance.